The following continues an entry in ClinVar:

NM_000059.4(BRCA2):c.5864C>A (p.Ser1955Ter)

Gene: BRCA2. ClinVar aggregate classification (germline): Pathogenic. Pathogenic (1).

Submissions 10 to 25 of 31:

Quest Diagnostics Nichols Institute San Juan Capistrano
Classification: Pathogenic. Last evaluated: 2024-09-23. Review status: criteria provided, single submitter. Criteria: Quest Diagnostics criteria. Collection method: clinical testing. Allele origin: unknown. Not counted in ClinVar's aggregate classification.
Comment: The BRCA2 c.5864C>A (p.Ser1955*) variant causes the premature termination of BRCA2 protein synthesis. This variant has been reported in the published literature in individuals affected with breast and/or ovarian cancer (PMIDs: 36451132 (2022), 30702160 (2019) 28324225 (2017), 24504028 (2014), 16683254 (2006), 15131399 (2004), and 11802209 (2002)), prostate cancer (PMID: 27433846 (2016)), and pancreatic cancer (PMID: 32073954 (2020)). In a large scale breast cancer association study, this variant has been observed in breast cancer cases and in reportedly healthy individuals (PMID: 33471991 (2021), see also LOVD). Based on the available information, this variant is classified as pathogenic.

ARUP Laboratories, Molecular Genetics and Genomics, ARUP Laboratories
Classification: Pathogenic. Last evaluated: 2024-09-18. Review status: criteria provided, single submitter. Criteria: ARUP Molecular Germline Variant Investigation Process 2024. Collection method: clinical testing. Allele origin: germline. Not counted in ClinVar's aggregate classification.
Comment: The BRCA2 c.5864C>A; p.Ser1955Ter variant (rs766173, ClinVar Variation ID: 51954) is reported in the literature in several individuals and families affected with breast and ovarian cancer syndrome (Cunningham 2014, Lubinski 2004, Meindl 2002, Pritchard 2016, Song 2014, van der Hout 2006). This variant is found in the general population with an overall allele frequency of 0.0014% (4/282,358 alleles) in the Genome Aggregation Database (v2.1.1). This variant induces an early termination codon and is predicted to result in a truncated protein or mRNA subject to nonsense-mediated decay. Based on available information, this variant is considered to be pathogenic. References: Cunningham JM et al. Clinical characteristics of ovarian cancer classified by BRCA1, BRCA2, and RAD51C status. Sci Rep. 2014 Feb 7;4:4026. PMID: 24504028 Lubinski J et al. Cancer variation associated with the position of the mutation in the BRCA2 gene. Fam Cancer. 2004;3(1):1-10. PMID: 15131399 Meindl A. Comprehensive analysis of 989 patients with breast or ovarian cancer provides BRCA1 and BRCA2 mutation profiles and frequencies for the German population. Int J Cancer. 2002 Feb 1;97(4):472-80. PMID: 11802209 Pritchard CC et al. Inherited DNA-Repair Gene Mutations in Men with Metastatic Prostate Cancer. N Engl J Med. 2016 Aug 4;375(5):443-53. PMID: 27433846 Song H et al. The contribution of deleterious germline mutations in BRCA1, BRCA2 and the mismatch repair genes to ovarian cancer in the population. Hum Mol Genet. 2014 Sep 1;23(17):4703-9. PMID: 24728189 van der Hout AH et al. A DGGE system for comprehensive mutation screening of BRCA1 and BRCA2: application in a Dutch cancer clinic setting. Hum Mutat. 2006 Jul;27(7):654-66. PMID: 16683254

Institute of Medical Genetics and Applied Genomics, University Hospital Tübingen
Classification: Pathogenic for Hereditary breast ovarian cancer syndrome. Last evaluated: 2024-06-14. Review status: criteria provided, single submitter. Criteria: ACMG Guidelines, 2015. Collection method: clinical testing. Allele origin: germline. Inheritance: Autosomal dominant inheritance. Affected: yes. Not counted in ClinVar's aggregate classification.

Color Diagnostics, LLC DBA Color Health
Classification: Pathogenic for Hereditary cancer-predisposing syndrome. Last evaluated: 2024-04-29. Review status: criteria provided, single submitter. Criteria: ACMG Guidelines, 2015. Collection method: clinical testing. Allele origin: germline. Not counted in ClinVar's aggregate classification.
Comment: This variant changes 1 nucleotide in exon 11 of the BRCA2 gene, creating a premature translation stop signal. This variant is expected to result in an absent or non-functional protein product. This variant has been reported in at least five individuals affected with breast, ovarian, pancreatic and prostate cancer and two unaffected individuals (PMID: 19340607, 24504028, 26483394, 27433846, 33471991; Leiden Open Variation Database DB-ID BRCA2_001762, 36149077). This variant also has been reported in suspected hereditary breast and ovarian cancer families (PMID: 11802209, 12928470, 15131399, 16683254, 28324225). This variant has been identified in 4/282358 chromosomes in the general population by the Genome Aggregation Database (gnomAD). Loss of BRCA2 function is a known mechanism of disease. Based on the available evidence, this variant is classified as Pathogenic.

Baylor Genetics
Classification: Pathogenic for Familial cancer of breast. Last evaluated: 2023-10-11. Review status: criteria provided, single submitter. Criteria: ACMG Guidelines, 2015. Collection method: clinical testing. Allele origin: unknown. Not counted in ClinVar's aggregate classification.

Women's Health and Genetics/Laboratory Corporation of America, LabCorp
Classification: Pathogenic for Hereditary breast ovarian cancer syndrome. Last evaluated: 2023-05-18. Review status: criteria provided, single submitter. Criteria: LabCorp Variant Classification Summary - May 2015. Collection method: clinical testing. Allele origin: germline. Not counted in ClinVar's aggregate classification.
Comment: Variant summary: BRCA2 c.5864C>A (p.Ser1955X) results in a premature termination codon, predicted to cause a truncation of the encoded protein or absence of the protein due to nonsense mediated decay, which are commonly known mechanisms for disease. The variant allele was found at a frequency of 1.2e-05 in 250960 control chromosomes (gnomAD). c.5864C>A has been reported in the literature in multiple individuals affected with Hereditary Breast and Ovarian Cancer (HBOC) Syndrome (e.g. Meindl_2002, de la Hoya_2003, Lubinski_2004, Song_2014, Dorling_2021), and the variant was found to co-segregate with the disease in multiple HBOC families. These data indicate that the variant is very likely to be associated with disease. To our knowledge, no experimental evidence demonstrating an impact on protein function has been reported. The following publications have been ascertained in the context of this evaluation (PMID: 11802209, 15131399, 24728189, 12928470, 33471991). 16 other submitters, including an expert panel (ENIGMA), have provided clinical-significance assessments for this variant in ClinVar after 2014 and all classified the variant as pathogenic. Based on the evidence outlined above, the variant was classified as pathogenic.

GeneDx
Classification: Pathogenic. Last evaluated: 2023-04-25. Review status: criteria provided, single submitter. Criteria: GeneDx Variant Classification Process June 2021. Collection method: clinical testing. Allele origin: germline. Affected: yes. Not counted in ClinVar's aggregate classification.
Comment: Nonsense variant predicted to result in protein truncation or nonsense mediated decay in a gene for which loss-of-function is a known mechanism of disease; Not observed at significant frequency in large population cohorts (gnomAD); Truncating variants in this gene are considered pathogenic by a well-established clinical consortium and/or database; Observed in individuals with BRCA2-related cancers (Meindl et al., 2002; Lubinski et al., 2004; Cunningham et al., 2014; Pritchard et al., 2016; Barnes et al., 2018); Also known as 6092C>A; This variant is associated with the following publications: (PMID: 27433846, 11802209, 30787465, 26483394, 24504028, 15131399, 19340607, 26848529, 24728189, 25525159, 27393621, 28324225, 12928470, 26295337, 26586665, 16683254, 29101607, 28476184, 29446198, 30720243, 30702160, 29625052, 26689913, 31825140, 36149077, 32073954, 29922827)

Institute of Immunology and Genetics Kaiserslautern
Classification: Pathogenic for Breast-ovarian cancer, familial, susceptibility to, 2. Last evaluated: 2022-09-09. Review status: criteria provided, single submitter. Criteria: ACMG Guidelines, 2015. Collection method: clinical testing. Allele origin: germline. Affected: no. Not counted in ClinVar's aggregate classification.
Comment: ACMG Criteria: PVS1, PS4, PM2, PP1, PP4, PP5; Variant found in a heterozygous state

Fulgent Genetics
Classification: Pathogenic for Familial cancer of breast; Medulloblastoma; Familial prostate cancer; Wilms tumor 1; Fanconi anemia complementation group D1; Breast-ovarian cancer, familial, susceptibility to, 2; Glioma susceptibility 3; Pancreatic cancer, susceptibility to, 2. Last evaluated: 2022-03-23. Review status: criteria provided, single submitter. Criteria: ACMG Guidelines, 2015. Collection method: clinical testing. Allele origin: unknown. Not counted in ClinVar's aggregate classification.

Institute for Clinical Genetics, University Hospital TU Dresden, University Hospital TU Dresden
Classification: Pathogenic. Last evaluated: 2021-11-03. Review status: criteria provided, single submitter. Criteria: ACMG Guidelines, 2015. Collection method: clinical testing. Allele origin: germline. Not counted in ClinVar's aggregate classification.

Revvity Omics, Revvity
Classification: Pathogenic. Last evaluated: 2021-10-18. Review status: criteria provided, single submitter. Criteria: ACMG Guidelines, 2015. Collection method: clinical testing. Allele origin: germline. Not counted in ClinVar's aggregate classification.

CHEO Genetics Diagnostic Laboratory, Children's Hospital of Eastern Ontario
Classification: Pathogenic for Breast and/or ovarian cancer. Last evaluated: 2020-12-02. Review status: criteria provided, single submitter. Criteria: ACMG Guidelines, 2015. Collection method: clinical testing. Allele origin: germline. Not counted in ClinVar's aggregate classification.

Genome Diagnostics Laboratory, University Medical Center Utrecht
Classification: Pathogenic for Breast-ovarian cancer, familial, susceptibility to, 2. Last evaluated: 2017-07-28. Review status: criteria provided, single submitter. Criteria: ACGS Guidelines, 2013. Collection method: clinical testing. Allele origin: germline. Affected: yes. Study: VKGL Data-share Consensus. Not counted in ClinVar's aggregate classification.

Department of Pathology and Molecular Medicine, Queen's University
Classification: Pathogenic for Hereditary breast ovarian cancer syndrome. Last evaluated: 2017-04-20. Review status: criteria provided, single submitter. Criteria: ACMG Guidelines, 2015. Collection method: clinical testing. Allele origin: germline. Study: The Canadian Open Genetics Repository (COGR). Not counted in ClinVar's aggregate classification.

Consortium of Investigators of Modifiers of BRCA1/2 (CIMBA), c/o University of Cambridge
Classification: Pathogenic for Breast-ovarian cancer, familial, susceptibility to, 2. Last evaluated: 2015-10-02. Review status: criteria provided, single submitter. Criteria: CIMBA Mutation Classification guidelines May 2016. Collection method: clinical testing. Allele origin: germline. Not counted in ClinVar's aggregate classification.

Counsyl
Classification: Likely pathogenic for Breast-ovarian cancer, familial 2. Last evaluated: 2014-10-28. Review status: no assertion criteria provided. Collection method: literature only. Allele origin: unknown. Inheritance: Autosomal dominant inheritance. Not counted in ClinVar's aggregate classification.